The following is an entry in ClinVar:

ClinVar aggregate classification (germline): Uncertain significance (1 of 4 stars; one submission).

Conditions:
Myopathy, proximal, and ophthalmoplegia (CMYO6). Also called: CONGENITAL MYOPATHY 6 WITH OPHTHALMOPLEGIA; MYOPATHY WITH CONGENITAL JOINT CONTRACTURES, OPHTHALMOPLEGIA, AND RIMMED VACUOLES; INCLUSION BODY MYOPATHY 3, AUTOSOMAL DOMINANT. Identifiers: Orphanet 363677, Orphanet 79091, MedGen C1854106, MONDO:0011577, OMIM 605637.

Submission:

Labcorp Genetics (formerly Invitae), Labcorp
Classification: Uncertain significance for Myopathy, proximal, and ophthalmoplegia. Last evaluated: 2022-06-09. Review status: criteria provided, single submitter. Criteria: Invitae Variant Classification Sherloc (09022015). Collection method: clinical testing. Allele origin: germline.
Comment: In summary, the available evidence is currently insufficient to determine the role of this variant in disease. Therefore, it has been classified as a Variant of Uncertain Significance. Algorithms developed to predict the effect of missense changes on protein structure and function are either unavailable or do not agree on the potential impact of this missense change (SIFT: "Deleterious"; PolyPhen-2: "Benign"; Align-GVGD: "Class C45"). This variant has not been reported in the literature in individuals affected with MYH2-related conditions. This variant is not present in population databases (gnomAD no frequency). This sequence change replaces glutamine, which is neutral and polar, with lysine, which is basic and polar, at codon 1464 of the MYH2 protein (p.Gln1464Lys).

NM_017534.6(MYH2):c.4390C>A (p.Gln1464Lys)

Genes: MYH2 (myosin heavy chain 2; minus strand), MYHAS (myosin heavy chain gene cluster antisense RNA; plus strand), LOC126862500 (BRD4-independent group 4 enhancer GRCh37_chr17:10427829-10429028; plus strand). Cytogenetic location: 17p13.1.
Variant type: single nucleotide variant.
Coding change: c.4390C>A on transcript NM_017534.6 (MANE Select); coding-DNA position 4390, C replaced by A.
Protein change: p.Gln1464Lys; replaces glutamine 1464 with lysine.
Molecular consequence: missense variant.
Genome position (GRCh38, 1-based): chr17:10,525,598, G>T on the plus strand (C>A on the coding strand, the complement: MYH2 is on the minus strand). VCF-style: chr17-10525598-G-T. GRCh37 (hg19) VCF-style: chr17-10428915-G-T.
Other names: c.4390C>A, p.Gln1464Lys (NM_001100112.2); short protein forms Q1464K.
Identifiers: ClinVar variation 1965265 (VCV001965265.5), dbSNP rs2508416546, ClinGen allele CA398125948.